The following is an entry in ClinVar:

NM_000153.4(GALC):c.9del (p.Glu3fs)

Gene: GALC (galactosylceramidase; minus strand). Cytogenetic location: 14q31.3.
Variant type: Deletion.
Coding change: c.9del on transcript NM_000153.4 (MANE Select); coding-DNA position 9, one base deleted (G; older notation c.9delG).
Protein change: p.Glu3fs; shifts the reading frame from glutamic acid 3.
Molecular consequence: frameshift variant. On other transcripts: intron variant (1).
Genome position (GRCh38, 1-based): chr14:87,993,156, C deleted on the plus strand (G on the coding strand, the reverse complement: GALC is on the minus strand). VCF-style (leftmost placement, unchanged base first): chr14-87993155-AC-A. GRCh37 (hg19) VCF-style: chr14-88459499-AC-A.
Other names: c.9del, p.Glu3fs (NM_001201401.2); c.117+227del (NM_001201402.2); short protein forms E3fs.
Identifiers: ClinVar variation 557507 (VCV000557507.6), dbSNP rs1555384380, ClinGen allele CA658823921.

ClinVar aggregate classification (germline): Pathogenic/Likely pathogenic. Review status: criteria provided, multiple submitters, no conflicts (2 of 4 stars). 3 submissions from 3 submitters: Pathogenic (1); Likely pathogenic (1). 1 of the submissions does not count toward it. Last evaluated 2024-06-19.

Conditions:
Galactosylceramide beta-galactosidase deficiency. Also called: Krabbe Disease; GALACTOCEREBROSIDASE DEFICIENCY; GALC DEFICIENCY; GLOBOID CELL LEUKOENCEPHALOPATHY; Leukodystrophy, Globoid Cell. Identifiers: Orphanet 487, MedGen C0023521, MONDO:0009499, OMIM 245200.

Allele frequency attached by ClinVar (database versions not stated): gnomAD exomes 0.00001.

Submissions (3):

Fulgent Genetics
Classification: Likely pathogenic for Galactosylceramide beta-galactosidase deficiency. Last evaluated: 2024-06-19. Review status: criteria provided, single submitter. Criteria: ACMG Guidelines, 2015. Collection method: clinical testing. Allele origin: germline.

Labcorp Genetics (formerly Invitae), Labcorp
Classification: Pathogenic for Galactosylceramide beta-galactosidase deficiency. Last evaluated: 2023-12-18. Review status: criteria provided, single submitter. Criteria: Invitae Variant Classification Sherloc (09022015). Collection method: clinical testing. Allele origin: germline.
Comment: This sequence change creates a premature translational stop signal (p.Glu3Aspfs*15) in the GALC gene. It is expected to result in an absent or disrupted protein product. Loss-of-function variants in GALC are known to be pathogenic (PMID: 7437911, 9272171, 16607461). This variant is not present in population databases (gnomAD no frequency). This variant has not been reported in the literature in individuals affected with GALC-related conditions. ClinVar contains an entry for this variant (Variation ID: 557507). For these reasons, this variant has been classified as Pathogenic.

Counsyl
Classification: Likely pathogenic for Galactosylceramide beta-galactosidase deficiency. Last evaluated: 2018-03-28. Review status: no assertion criteria provided. Collection method: clinical testing. Allele origin: unknown. Not counted in ClinVar's aggregate classification.

Literature cited by the submitters: PubMed 7437911 (cited by Labcorp Genetics (formerly Invitae), Labcorp); PubMed 9272171 (cited by Labcorp Genetics (formerly Invitae), Labcorp); PubMed 16607461 (cited by Labcorp Genetics (formerly Invitae), Labcorp).